The following is an entry in ClinVar:

ClinVar aggregate classification (germline): Benign. Review status: criteria provided, single submitter (1 of 4 stars). 2 submissions from 2 submitters: Benign (1). 1 of the submissions does not count toward it. Last evaluated 2025-05-03.

Conditions:
GREB1L-related disorder. Also called: GREB1L-related condition.

Allele frequency attached by ClinVar (database versions not stated): ESP Exome Variant Server 0.00022; ExAC 0.00037; gnomAD 0.00055; gnomAD exomes 0.00056; TOPMed 0.00066; 1000 Genomes Project 30x 0.00203; 1000 Genomes Project 0.00220.
gnomAD v4.1: 887 of 1,550,786 alleles (0.057%); highest among the groups gnomAD compares: East Asian, 2%; 14 homozygotes.

Submissions (2):

Labcorp Genetics (formerly Invitae), Labcorp
Classification: Benign. Last evaluated: 2025-05-03. Review status: criteria provided, single submitter. Criteria: Invitae Variant Classification Sherloc (09022015). Collection method: clinical testing. Allele origin: germline.

PreventionGenetics, part of Exact Sciences
Classification: Benign for GREB1L-related condition. Last evaluated: 2019-08-29. Review status: no assertion criteria provided. Collection method: clinical testing. Allele origin: germline. Not counted in ClinVar's aggregate classification.
Comment: This variant is classified as benign based on ACMG/AMP sequence variant interpretation guidelines (Richards et al. 2015 PMID: 25741868, with internal and published modifications).

NM_001142966.3(GREB1L):c.2240A>G (p.Lys747Arg)

Gene: GREB1L (GREB1 like retinoic acid receptor coactivator; plus strand). Cytogenetic location: 18q11.1.
Variant type: single nucleotide variant.
Coding change: c.2240A>G on transcript NM_001142966.3 (MANE Select); coding-DNA position 2240, A replaced by G.
Protein change: p.Lys747Arg; replaces lysine 747 with arginine.
Molecular consequence: missense variant.
Genome position (GRCh38, 1-based): chr18:21,473,088, A>G. VCF-style: chr18-21473088-A-G. GRCh37 (hg19) VCF-style: chr18-19053049-A-G.
Other names: c.2369A>G, p.Lys790Arg (NM_001410867.1); c.1913A>G, p.Lys638Arg (NM_001410868.1); c.2240A>G (NM_001142966.1); short protein forms K790R, K638R, K747R.
Identifiers: ClinVar variation 2049056 (VCV002049056.6), dbSNP rs139961242, ClinGen allele CA8906490.